The following is an entry in ClinVar:

ClinVar aggregate classification (germline): Uncertain significance (1 of 4 stars; one submission).

Conditions:
Aortic aneurysm, familial thoracic 8 (AAT8). Identifiers: MedGen C3809513, MONDO:0014187, OMIM 615436.

Submission:

Labcorp Genetics (formerly Invitae), Labcorp
Classification: Uncertain significance for Aortic aneurysm, familial thoracic 8. Last evaluated: 2018-06-11. Review status: criteria provided, single submitter. Criteria: Invitae Variant Classification Sherloc (09022015). Collection method: clinical testing. Allele origin: germline.
Comment: In summary, the available evidence is currently insufficient to determine the role of this variant in disease. Therefore, it has been classified as a Variant of Uncertain Significance. Algorithms developed to predict the effect of missense changes on protein structure and function are either unavailable or do not agree on the potential impact of this missense change (SIFT: "Tolerated"; PolyPhen-2: "Probably Damaging"; Align-GVGD: "Class C0"). This variant has not been reported in the literature in individuals with PRKG1-related disease. This variant is not present in population databases (ExAC no frequency). This sequence change replaces aspartic acid with valine at codon 683 of the PRKG1 protein (p.Asp683Val). The aspartic acid residue is highly conserved and there is a large physicochemical difference between aspartic acid and valine.

NM_006258.4(PRKG1):c.2048A>T (p.Asp683Val)

Gene: PRKG1 (protein kinase cGMP-dependent 1; plus strand). Cytogenetic location: 10q21.1.
Variant type: single nucleotide variant.
Coding change: c.2048A>T on transcript NM_006258.4 (MANE Select); coding-DNA position 2048, A replaced by T.
Protein change: p.Asp683Val; replaces aspartic acid 683 with valine.
Molecular consequence: missense variant.
Genome position (GRCh38, 1-based): chr10:52,293,887, A>T. VCF-style: chr10-52293887-A-T. GRCh37 (hg19) VCF-style: chr10-54053647-A-T.
Other names: c.2048A>T, p.Asp683Val (LRG_1135t1); c.2003A>T, p.Asp668Val (LRG_1135t2, NM_001098512.3); short protein forms D668V, D683V.
Identifiers: ClinVar variation 571114 (VCV000571114.8), dbSNP rs1564549596, ClinGen allele CA376536927.